The following is an entry in ClinVar:

NM_001844.5(COL2A1):c.3274-81_3304dup

Gene: COL2A1 (collagen type II alpha 1 chain; minus strand). Cytogenetic location: 12q13.11.
Variant type: Duplication.
Coding change: c.3274-81_3304dup on transcript NM_001844.5 (MANE Select); 81 bases into the intron before coding-DNA position 3274 through coding-DNA position 3304, 112 bases duplicated.
Molecular consequence: splice acceptor variant.
Genome position (GRCh38, 1-based): chr12:47,977,125-47,977,236, 112 bases duplicated. GRCh37 (hg19): chr12:48,370,912-48,371,023.
Other names: c.3067-81_3097dup (NM_033150.3).
Identifiers: ClinVar variation 4729341 (VCV004729341.1).

ClinVar aggregate classification (germline): Uncertain significance (1 of 4 stars; one submission).

Submission:

Labcorp Genetics (formerly Invitae), Labcorp
Classification: Uncertain significance. Last evaluated: 2025-10-16. Review status: criteria provided, single submitter. Criteria: Invitae Variant Classification Sherloc (09022015). Collection method: clinical testing. Allele origin: germline.
Comment: This sequence change falls in intron 47 of the COL2A1 gene. It does not directly change the encoded amino acid sequence of the COL2A1 protein. This variant is not present in population databases (gnomAD no frequency). This variant has not been reported in the literature in individuals affected with COL2A1-related conditions. This variant is also known as c.3274-81_3304dup (p.Pro1102Leufs*53). Experimental studies and prediction algorithms are not available or were not evaluated, and the effect of this variant on mRNA splicing is currently unknown. In summary, the available evidence is currently insufficient to determine the role of this variant in disease. Therefore, it has been classified as a Variant of Uncertain Significance.